The following is an entry in ClinVar:

ClinVar aggregate classification (germline): Uncertain significance. Review status: criteria provided, single submitter (1 of 4 stars). 2 submissions from 2 submitters: Uncertain significance (1). 1 of the submissions does not count toward it. Last evaluated 2024-05-07.

Conditions:
SEMA3C-related disorder. Also called: SEMA3C-related condition.

gnomAD v4.1: 8 of 1,513,754 alleles (0.00053%); highest among the groups gnomAD compares: African/African-American, 0.0029%; no homozygotes.

Submissions (2):

Ambry Genetics
Classification: Uncertain significance. Last evaluated: 2024-05-07. Review status: criteria provided, single submitter. Criteria: Ambry Variant Classification Scheme 2023. Collection method: clinical testing. Allele origin: germline.

PreventionGenetics, part of Exact Sciences
Classification: Uncertain significance for SEMA3C-related condition. Last evaluated: 2024-06-14. Review status: no assertion criteria provided. Collection method: clinical testing. Allele origin: germline. Not counted in ClinVar's aggregate classification.
Comment: The SEMA3C c.1001C>T variant is predicted to result in the amino acid substitution p.Pro334Leu. To our knowledge, this variant has not been reported in the literature. This variant is reported in 0.0059% of alleles in individuals of Latino descent in gnomAD. At this time, the clinical significance of this variant is uncertain due to the absence of conclusive functional and genetic evidence.

NM_006379.5(SEMA3C):c.947C>T (p.Pro316Leu)

Gene: SEMA3C (semaphorin 3C; minus strand). Cytogenetic location: 7q21.11.
Variant type: single nucleotide variant.
Coding change: c.947C>T on transcript NM_006379.5 (MANE Select); coding-DNA position 947, C replaced by T.
Protein change: p.Pro316Leu; replaces proline 316 with leucine.
Molecular consequence: missense variant.
Genome position (GRCh38, 1-based): chr7:80,800,796, G>A on the plus strand (C>T on the coding strand, the complement: SEMA3C is on the minus strand). VCF-style: chr7-80800796-G-A. GRCh37 (hg19) VCF-style: chr7-80430112-G-A.
Other names: c.1001C>T, p.Pro334Leu (NM_001350120.2); c.773C>T, p.Pro258Leu (NM_001350121.2); c.1001C>T (NM_001350120.1); short protein forms P258L, P316L, P334L.
Identifiers: ClinVar variation 3317281 (VCV003317281.2).